The following is an entry in ClinVar:

NM_004565.3(PEX14):c.314G>A (p.Arg105Gln)

Gene: PEX14 (peroxisomal biogenesis factor 14; plus strand). Cytogenetic location: 1p36.22.
Variant type: single nucleotide variant.
Coding change: c.314G>A on transcript NM_004565.3 (MANE Select); coding-DNA position 314, G replaced by A.
Protein change: p.Arg105Gln; replaces arginine 105 with glutamine.
Molecular consequence: missense variant.
Genome position (GRCh38, 1-based): chr1:10,618,347, G>A. VCF-style: chr1-10618347-G-A. GRCh37 (hg19) VCF-style: chr1-10678404-G-A.
Other names: c.314G>A (NM_004565.2); short protein forms R105Q.
Identifiers: ClinVar variation 595674 (VCV000595674.10), dbSNP rs754085368, ClinGen allele CA583800.

ClinVar aggregate classification (germline): Uncertain significance. Review status: criteria provided, multiple submitters, no conflicts (2 of 4 stars). 3 submissions from 3 submitters: Uncertain significance (3). Last evaluated 2025-08-11.

Conditions:
Peroxisome biogenesis disorder, complementation group K (CGK). Identifiers: MedGen C1866257, MONDO:0800365.
Inborn genetic diseases. Identifiers: MedGen C0950123, MeSH D030342.

Allele frequency attached by ClinVar (database versions not stated): gnomAD 0.00001; gnomAD exomes 0.00001 and 0.00002; TOPMed 0.00003; ExAC 0.00005.
gnomAD v4.1: 20 of 1,613,780 alleles (0.0012%); highest among the groups gnomAD compares: Middle Eastern, 0.016%; no homozygotes.

Submissions (3):

Ambry Genetics
Classification: Uncertain significance for Inborn genetic diseases. Last evaluated: 2025-08-11. Review status: criteria provided, single submitter. Criteria: Ambry Variant Classification Scheme 2023. Collection method: clinical testing. Allele origin: germline.

Labcorp Genetics (formerly Invitae), Labcorp
Classification: Uncertain significance for Peroxisome biogenesis disorder, complementation group K. Last evaluated: 2022-07-19. Review status: criteria provided, single submitter. Criteria: Invitae Variant Classification Sherloc (09022015). Collection method: clinical testing. Allele origin: germline.
Comment: This sequence change replaces arginine, which is basic and polar, with glutamine, which is neutral and polar, at codon 105 of the PEX14 protein (p.Arg105Gln). This variant is present in population databases (rs754085368, gnomAD 0.005%). This variant has not been reported in the literature in individuals affected with PEX14-related conditions. ClinVar contains an entry for this variant (Variation ID: 595674). Algorithms developed to predict the effect of missense changes on protein structure and function are either unavailable or do not agree on the potential impact of this missense change (SIFT: "Tolerated"; PolyPhen-2: "Probably Damaging"; Align-GVGD: "Class C0"). In summary, the available evidence is currently insufficient to determine the role of this variant in disease. Therefore, it has been classified as a Variant of Uncertain Significance.

Eurofins Ntd Llc (ga)
Classification: Uncertain significance. Last evaluated: 2018-01-09. Review status: criteria provided, single submitter. Criteria: EGL Classification Definitions 2015. Collection method: clinical testing. Allele origin: germline. Observed: 1 variant allele, 1 heterozygote.